The following is an entry in ClinVar:

ClinVar aggregate classification (germline): Benign/Likely benign. Review status: criteria provided, multiple submitters, no conflicts (2 of 4 stars). 3 submissions from 3 submitters: Benign (1); Likely benign (2). Last evaluated 2025-04-10.

Conditions:
Tuberous sclerosis 1 (TSC1). Identifiers: Orphanet 805, MedGen C1854465, MONDO:0008612, OMIM 191100.

Submissions (3):

Myriad Genetics, Inc.
Classification: Benign for Tuberous sclerosis 1. Last evaluated: 2025-04-10. Review status: criteria provided, single submitter. Criteria: Myriad Autosomal Dominant, Autosomal Recessive and X-Linked Classification Criteria (2023). Collection method: clinical testing. Allele origin: unknown.
Comment: This variant is considered benign. This variant is a silent/synonymous amino acid change and it is not expected to impact splicing.

KCCC/NGS Laboratory, Kuwait Cancer Control Center
Classification: Likely benign for Tuberous sclerosis 1. Last evaluated: 2023-07-07. Review status: criteria provided, single submitter. Criteria: ACMG Guidelines, 2015. Collection method: clinical testing. Allele origin: germline. Affected: yes.

Labcorp Genetics (formerly Invitae), Labcorp
Classification: Likely benign for Tuberous sclerosis 1. Last evaluated: 2017-07-18. Review status: criteria provided, single submitter. Criteria: Invitae Variant Classification Sherloc (09022015). Collection method: clinical testing. Allele origin: germline.

NM_000368.5(TSC1):c.1944G>A (p.Val648=)

Gene: TSC1 (TSC complex subunit 1; minus strand). Cytogenetic location: 9q34.13.
Variant type: single nucleotide variant.
Coding change: c.1944G>A on transcript NM_000368.5 (MANE Select); coding-DNA position 1944, G replaced by A.
Protein change: p.Val648=; no amino-acid change (valine 648 retained).
Molecular consequence: synonymous variant.
Genome position (GRCh38, 1-based): chr9:132,905,634, C>T on the plus strand (G>A on the coding strand, the complement: TSC1 is on the minus strand). VCF-style: chr9-132905634-C-T. GRCh37 (hg19) VCF-style: chr9-135781021-C-T.
Other names: c.1941G>A, p.Val647= (NM_001162426.2); c.1791G>A, p.Val597= (NM_001162427.2); c.1581G>A, p.Val527= (NM_001362177.2).
Identifiers: ClinVar variation 466051 (VCV000466051.10), dbSNP rs1554815720, ClinGen allele CA467812932.
Genomic context (GRCh38, chr9:132,905,634, plus strand): 5'-CCCTTACTTGTTCAGCTCCTTGCTGTGCGCGTCTGCTCCCTGCTGTATCAGTCTGTCCAG[C>T]ACTTCCATTGGGGAGGTAGAGGGCACACCATCTTCCTCTGTGTTTCCTTTTGCTTTCTTT-3'
Protein context (NP_000359.1, residues 638-658): DGVPSTSPME[Val648=]LDRLIQQGAD